The following is an entry in ClinVar:

NM_001127222.2(CACNA1A):c.2611C>G (p.Pro871Ala)

Gene: CACNA1A (calcium voltage-gated channel subunit alpha1 A; minus strand). Cytogenetic location: 19p13.13.
Variant type: single nucleotide variant.
Coding change: c.2611C>G on transcript NM_001127222.2 (MANE Select); coding-DNA position 2611, C replaced by G.
Protein change: p.Pro871Ala; replaces proline 871 with alanine.
Molecular consequence: missense variant.
Genome position (GRCh38, 1-based): chr19:13,299,022, G>C on the plus strand (C>G on the coding strand, the complement: CACNA1A is on the minus strand). VCF-style: chr19-13299022-G-C. GRCh37 (hg19) VCF-style: chr19-13409836-G-C.
Other names: c.2623C>G, p.Pro875Ala (NM_000068.4, NM_023035.3); c.2614C>G, p.Pro872Ala (NM_001127221.2, NM_001174080.2); short protein forms P871A, P872A, P875A.
Identifiers: ClinVar variation 3368386 (VCV003368386.1).

ClinVar aggregate classification (germline): Uncertain significance (1 of 4 stars; one submission).

gnomAD v4.1: 1 of 1,590,470 alleles (0.000063%); highest among the groups gnomAD compares: South Asian, 0.0011%; no homozygotes.

Submission:

GeneDx
Classification: Uncertain significance. Last evaluated: 2024-01-31. Review status: criteria provided, single submitter. Criteria: GeneDx Variant Classification Process June 2021. Collection method: clinical testing. Allele origin: germline. Affected: yes.
Comment: Has not been previously published as pathogenic or benign to our knowledge; Not observed at significant frequency in large population cohorts (gnomAD); In silico analysis supports that this missense variant does not alter protein structure/function